The following is an entry in ClinVar:

ClinVar aggregate classification (germline): Likely benign. Review status: criteria provided, multiple submitters, no conflicts (2 of 4 stars). 3 submissions from 3 submitters: Likely benign (3). Last evaluated 2025-12-15.

Conditions:
Hereditary cancer-predisposing syndrome. Also called: Tumor predisposition; Hereditary neoplastic syndrome; Neoplastic Syndromes, Hereditary; Hereditary Cancer Syndrome. Identifiers: Orphanet 140162, MedGen C0027672, MeSH D009386, MONDO:0015356.
Fanconi anemia complementation group J. Also called: BRIP1-Related Fanconi Anemia. Identifiers: Orphanet 84, MedGen C1836860, MONDO:0012187, OMIM 609054.
Familial cancer of breast. Also called: BREAST CANCER, FAMILIAL; hereditary breast carcinoma; Hereditary breast cancer. Identifiers: Orphanet 227535, MedGen C0346153, MONDO:0016419, OMIM 114480. Disease mechanism: loss of function.

Allele frequency attached by ClinVar (database versions not stated): gnomAD exomes below 0.00001.
gnomAD v4.1: 4 of 1,611,214 alleles (0.00025%); highest among the groups gnomAD compares: Non-Finnish European, 0.00034%; no homozygotes.

Submissions (3):

Labcorp Genetics (formerly Invitae), Labcorp
Classification: Likely benign for Familial cancer of breast; Fanconi anemia complementation group J. Last evaluated: 2025-12-15. Review status: criteria provided, single submitter. Criteria: Invitae Variant Classification Sherloc (09022015). Collection method: clinical testing. Allele origin: germline.

Myriad Genetics, Inc.
Classification: Likely benign for Familial cancer of breast. Last evaluated: 2024-09-03. Review status: criteria provided, single submitter. Criteria: Myriad Autosomal Dominant, Autosomal Recessive and X-Linked Classification Criteria (2023). Collection method: clinical testing. Allele origin: unknown.
Comment: This variant is considered likely benign. This variant is intronic and is not expected to impact mRNA splicing.

Color Diagnostics, LLC DBA Color Health
Classification: Likely benign for Hereditary cancer-predisposing syndrome. Last evaluated: 2019-09-30. Review status: criteria provided, single submitter. Criteria: ACMG Guidelines, 2015. Collection method: clinical testing. Allele origin: germline.

NM_032043.3(BRIP1):c.2098-9C>T

Gene: BRIP1 (BRCA1 interacting DNA helicase 1; minus strand). Cytogenetic location: 17q23.2.
Variant type: single nucleotide variant.
Coding change: c.2098-9C>T on transcript NM_032043.3 (MANE Select); 9 bases into the intron before coding-DNA position 2098, C replaced by T.
Molecular consequence: intron variant.
Genome position (GRCh38, 1-based): chr17:61,744,600, G>A on the plus strand (C>T on the coding strand, the complement: BRIP1 is on the minus strand). VCF-style: chr17-61744600-G-A. GRCh37 (hg19) VCF-style: chr17-59821961-G-A.
Identifiers: ClinVar variation 927515 (VCV000927515.4), dbSNP rs2077035155, ClinGen allele CA1139665775.